The following is an entry in ClinVar:

NC_000006.12:g.(?_161785752)_(161973437_?)del

Gene: PRKN (parkin RBR E3 ubiquitin protein ligase; minus strand). Cytogenetic location: 6q26.
Variant type: Deletion.
Identifiers: ClinVar variation 536459 (VCV000536459.7).

ClinVar aggregate classification (germline): Pathogenic. Review status: criteria provided, single submitter (1 of 4 stars). 2 submissions from 1 submitter: Pathogenic (1). 1 of the submissions does not count toward it. Last evaluated 2021-08-04.

Conditions:
Autosomal recessive juvenile Parkinson disease 2. Also called: Parkinson disease, juvenile, type 2; Parkinson disease autosomal recessive, early onset; Juvenile parkinsonism; Parkinsonism, early onset, with diurnal fluctuation; PARKINSON DISEASE, JUVENILE, AUTOSOMAL RECESSIVE; PRKN-Related Early-Onset Parkinson Disease. Identifiers: Orphanet 2828, MedGen C1868675, MONDO:0010820, OMIM 600116.

Submissions (2):

Labcorp Genetics (formerly Invitae), Labcorp
Classification: Pathogenic. Last evaluated: 2021-08-04. Review status: criteria provided, single submitter. Criteria: Invitae Variant Classification Sherloc (09022015). Collection method: clinical testing. Allele origin: germline.
Comment: This variant is a gross deletion of the genomic region encompassing exon(s) 6-7 of the PRKN gene. This deletion is out-of-frame, and is expected to create a premature translational stop signal and result in an absent or disrupted protein product. Loss-of-function variants in PRKN are known to be pathogenic (PMID: 10072423, 20301651, 22956510). A similar copy number variant has been observed in individuals with early-onset Parkinson's disease (PMID: 10939576, 12764051, 24677602, 25833766). For these reasons, this variant has been classified as Pathogenic.

Labcorp Genetics (formerly Invitae), Labcorp
Classification: Pathogenic for Autosomal recessive juvenile Parkinson disease 2. Last evaluated: 2017-11-14. Review status: flagged submission. Criteria: Invitae Variant Classification Sherloc (09022015). Collection method: clinical testing. Allele origin: germline. Not counted in ClinVar's aggregate classification.
Comment: This variant is an out-of-frame deletion of the genomic region encompassing exons 6-7 of the PARK2 gene. This is expected to create a premature translational stop signal and result in an absent or disrupted protein product. This variant has been reported in the homozygous, compound heterozygous and heterozygous state in multiple individuals affected with early-onset Parkinson's disease (PMID: 12764051, 25833766, 10939576, 24677602). Loss-of-function variants in PARK2 are known to be pathogenic (PMID: 10072423, 20301651, 22956510). For these reasons, this variant has been classified as Pathogenic.
ClinVar note: Reason: This record appears to be redundant with a more recent record from the same submitter.
ClinVar note: Notes: SCV000766636 appears to be redundant with SCV001586414.

Literature cited by the submitters: PubMed 10072423; PubMed 20301651; PubMed 22956510; PubMed 10939576; PubMed 12764051; PubMed 24677602; PubMed 25833766.